The following is an entry in ClinVar:

NM_001854.4(COL11A1):c.2810G>A (p.Gly937Glu)

Gene: COL11A1 (collagen type XI alpha 1 chain; minus strand). Cytogenetic location: 1p21.1.
Variant type: single nucleotide variant.
Coding change: c.2810G>A on transcript NM_001854.4 (MANE Select); coding-DNA position 2810, G replaced by A.
Protein change: p.Gly937Glu; replaces glycine 937 with glutamic acid.
Molecular consequence: missense variant. On other transcripts: non-coding transcript variant (1).
Genome position (GRCh38, 1-based): chr1:102,970,271, C>T on the plus strand (G>A on the coding strand, the complement: COL11A1 is on the minus strand). VCF-style: chr1-102970271-C-T. GRCh37 (hg19) VCF-style: chr1-103435827-C-T.
Other names: c.2462G>A, p.Gly821Glu (NM_001168249.1, NM_080630.4); c.2693G>A, p.Gly898Glu (NM_001190709.2); c.2846G>A, p.Gly949Glu (NM_080629.3); c.2810G>A (NM_001854.3); short protein forms G898E, G949E, G821E, G937E.
Identifiers: ClinVar variation 2989579 (VCV002989579.4), dbSNP rs867506243, ClinGen allele CA27699895.

ClinVar aggregate classification (germline): Uncertain significance. Review status: criteria provided, multiple submitters, no conflicts (2 of 4 stars). 2 submissions from 2 submitters: Uncertain significance (2). Last evaluated 2025-03-14.

Allele frequency attached by ClinVar (database versions not stated): gnomAD 0.00001; TOPMed 0.00001.
gnomAD v4.1: 1 of 1,609,912 alleles (0.000062%); highest among the groups gnomAD compares: African/African-American, 0.0013%; no homozygotes.

Submissions (2):

GeneDx
Classification: Uncertain significance. Last evaluated: 2025-03-14. Review status: criteria provided, single submitter. Criteria: GeneDx Variant Classification Process June 2021. Collection method: clinical testing. Allele origin: germline. Affected: yes.
Comment: Not observed at significant frequency in large population cohorts (gnomAD); In silico analysis supports that this missense variant has a deleterious effect on protein structure/function; Has not been previously published as pathogenic or benign to our knowledge; This variant is associated with the following publications: (PMID: 25240749)

Labcorp Genetics (formerly Invitae), Labcorp
Classification: Uncertain significance. Last evaluated: 2023-07-23. Review status: criteria provided, single submitter. Criteria: Invitae Variant Classification Sherloc (09022015). Collection method: clinical testing. Allele origin: germline.
Comment: This sequence change replaces glycine, which is neutral and non-polar, with glutamic acid, which is acidic and polar, at codon 937 of the COL11A1 protein (p.Gly937Glu). This variant is not present in population databases (gnomAD no frequency). This variant has not been reported in the literature in individuals affected with COL11A1-related conditions. Experimental studies and prediction algorithms are not available or were not evaluated, and the functional significance of this variant is currently unknown. In summary, the available evidence is currently insufficient to determine the role of this variant in disease. Therefore, it has been classified as a Variant of Uncertain Significance.